The following is an entry in ClinVar:

ClinVar aggregate classification (germline): Uncertain significance. Review status: criteria provided, multiple submitters, no conflicts (2 of 4 stars). 2 submissions from 2 submitters: Uncertain significance (2). Last evaluated 2026-02-01.

Conditions:
Inborn genetic diseases. Identifiers: MedGen C0950123, MeSH D030342.

Submissions (2):

CeGaT Center for Human Genetics Tuebingen
Classification: Uncertain significance. Last evaluated: 2026-02-01. Review status: criteria provided, single submitter. Criteria: CeGaT Center For Human Genetics Tuebingen Variant Classification Criteria Version 2. Collection method: clinical testing. Allele origin: germline. Affected: yes. Observed: 1 variant allele.
Comment: GRIN2D: PM2, PP2, PS4:Supporting

Ambry Genetics
Classification: Uncertain significance for Inborn genetic diseases. Last evaluated: 2025-08-02. Review status: criteria provided, single submitter. Criteria: Ambry Variant Classification Scheme 2023. Collection method: clinical testing. Allele origin: germline.

NM_000836.4(GRIN2D):c.1439A>C (p.Glu480Ala)

Gene: GRIN2D (glutamate ionotropic receptor NMDA type subunit 2D; plus strand). Cytogenetic location: 19q13.33.
Variant type: single nucleotide variant.
Coding change: c.1439A>C on transcript NM_000836.4 (MANE Select); coding-DNA position 1439, A replaced by C.
Protein change: p.Glu480Ala; replaces glutamic acid 480 with alanine.
Molecular consequence: missense variant.
Genome position (GRCh38, 1-based): chr19:48,414,890, A>C. VCF-style: chr19-48414890-A-C. GRCh37 (hg19) VCF-style: chr19-48918147-A-C.
Other names: short protein forms E480A.
Identifiers: ClinVar variation 4267066 (VCV004267066.5).
Genomic context (GRCh38, chr19:48,414,890, plus strand): 5'-CCCCAAACTCCCCAAGCCTGGTCACTGCCCGCAGCCCTCCACCGGATGCCCCCCGCCCGG[A>C]AAAGCGCTGCTGCAAGGGTTTCTGCATCGACATTCTGAAGCGGCTGGCGCATACCATCGG-3'
Protein context (NP_000827.2, residues 470-490): HSPPPDAPRP[Glu480Ala]KRCCKGFCID